The following is an entry in ClinVar:

ClinVar aggregate classification (germline): Conflicting classifications of pathogenicity. Review status: criteria provided, conflicting classifications (1 of 4 stars). 2 submissions from 2 submitters: Likely pathogenic (1); Uncertain significance (1). Last evaluated 2025-07-29.

Conditions:
Primary dilated cardiomyopathy (DCM). Also called: Dilated Cardiomyopathy. Identifiers: Orphanet 217604, MedGen C0007193, MeSH D002311, MONDO:0005021, HP:0001644. Inheritance: Various modes of inheritance.
Dilated cardiomyopathy 1G (CMD1G). Identifiers: Orphanet 154, MedGen C1858763, MONDO:0011400, OMIM 604145.
Autosomal recessive limb-girdle muscular dystrophy type 2J (LGMDR10). Also called: Limb-girdle muscular dystrophy, type 2J; MUSCULAR DYSTROPHY, LIMB-GIRDLE, AUTOSOMAL RECESSIVE 10. Identifiers: Orphanet 140922, MedGen C1837342, MONDO:0012127, OMIM 608807.

gnomAD v4.1: 1 of 1,613,334 alleles (0.000062%); highest among the groups gnomAD compares: Non-Finnish European, 0.000085%; no homozygotes.

Submissions (2):

Labcorp Genetics (formerly Invitae), Labcorp
Classification: Likely pathogenic for Dilated cardiomyopathy 1G; Autosomal recessive limb-girdle muscular dystrophy type 2J. Last evaluated: 2025-07-29. Review status: criteria provided, single submitter. Criteria: Invitae Variant Classification Sherloc (09022015). Collection method: clinical testing. Allele origin: germline.
Comment: This sequence change creates a premature translational stop signal (p.Gln26879*) in the TTN gene. While this is not anticipated to result in nonsense mediated decay, it is expected to create a truncated TTN protein. This variant is not present in population databases (gnomAD no frequency). This variant has not been reported in the literature in individuals affected with TTN-related conditions. ClinVar contains an entry for this variant (Variation ID: 223259). This variant is located in the A band of TTN (PMID: 25589632). Truncating variants in this region are significantly overrepresented in patients affected with dilated cardiomyopathy (PMID: 25589632). Truncating variants in this region have also been reported in individuals affected with autosomal recessive centronuclear myopathy (PMID: 23975875). In summary, the currently available evidence indicates that the variant is pathogenic, but additional data are needed to prove that conclusively. Therefore, this variant has been classified as Likely Pathogenic.

Cardiovascular Biomedical Research Unit, Royal Brompton & Harefield NHS Foundation Trust
Classification: Uncertain significance for Primary dilated cardiomyopathy. Last evaluated: 2014-10-08. Review status: criteria provided, single submitter. Criteria: Roberts et al. 2015. Collection method: research. Allele origin: germline. Inheritance: Autosomal dominant inheritance. Affected: no. Observed: 1 variant allele. Study: FHS cohort.
Comment: In the seven cohorts assessed, TTNtv were found in 14% of ambulant DCM, 22% end-stage or familial DCM, and 2% controls. Heterozygous nonsense, frameshift and canonical splice-disrupting variants found in constitutive and other highly utilised exons are highly likely to be pathogenic when identified in individuals with phenotypically confirmed DCM. TTNtv found incidentally in healthy individuals (excluding familial assessment of DCM relatives) are thought to have low penetrance, particularly when identified in exons that are not constitutively expressed in the heart.

Literature cited by the submitters: PubMed 25589632 (cited by Labcorp Genetics (formerly Invitae), Labcorp); PubMed 23975875 (cited by Labcorp Genetics (formerly Invitae), Labcorp).

NM_001267550.2(TTN):c.80635C>T (p.Gln26879Ter)

Genes: TTN-AS1 (TTN antisense RNA 1; plus strand), TTN (titin; minus strand). Cytogenetic location: 2q31.2.
Variant type: single nucleotide variant.
Coding change: c.80635C>T on transcript NM_001267550.2 (MANE Select); coding-DNA position 80635, C replaced by T.
Protein change: p.Gln26879Ter; replaces glutamine 26879 with a stop codon.
Molecular consequence: nonsense.
Genome position (GRCh38, 1-based): chr2:178,565,497, G>A on the plus strand (C>T on the coding strand, the complement: TTN is on the minus strand). VCF-style: chr2-178565497-G-A. GRCh37 (hg19) VCF-style: chr2-179430224-G-A.
Other names: c.75712C>T, p.Gln25238Ter (NM_001256850.1); c.53440C>T, p.Gln17814Ter (NM_003319.4); c.72931C>T, p.Gln24311Ter (NM_133378.4); c.53815C>T, p.Gln17939Ter (NM_133432.3); c.54016C>T, p.Gln18006Ter (NM_133437.4); c.80635C>T (LRG_391t1); short protein forms Q26879*, Q17814*, Q25238*, Q17939*, Q18006*, Q24311*.
Identifiers: ClinVar variation 223259 (VCV000223259.6), dbSNP rs79926414, ClinGen allele CA090067.
Genomic context (GRCh38, chr2:178,565,497, plus strand): 5'-TTTTAAGATCTTCTCCAGCTTGGATACTATATGTGTTAAATGGTAACTTTAAACTAGGCT[G>A]TATAGTCAAGTCCTTGGCTATGACAGGAACACCCAACACTCTTGGATCGCTTTTTCCTTT-3'